The following is an entry in ClinVar:

ClinVar aggregate classification (germline): Uncertain significance (1 of 4 stars; one submission).

Submission:

Ambry Genetics
Classification: Uncertain significance. Last evaluated: 2024-04-29. Review status: criteria provided, single submitter. Criteria: Ambry Variant Classification Scheme 2023. Collection method: clinical testing. Allele origin: germline.
Comment: The p.Q100R variant (also known as c.299A>G), located in coding exon 5 of the NPAT gene, results from an A to G substitution at nucleotide position 299. The glutamine at codon 100 is replaced by arginine, an amino acid with highly similar properties. This amino acid position is conserved. In addition, this alteration is predicted to be tolerated by in silico analysis. Based on the available evidence, the clinical significance of this variant remains unclear.

NM_002519.3(NPAT):c.299A>G (p.Gln100Arg)

Gene: NPAT (nuclear protein, coactivator of histone transcription; minus strand). Cytogenetic location: 11q22.3.
Variant type: single nucleotide variant.
Coding change: c.299A>G on transcript NM_002519.3 (MANE Select); coding-DNA position 299, A replaced by G.
Protein change: p.Gln100Arg; replaces glutamine 100 with arginine.
Molecular consequence: missense variant.
Genome position (GRCh38, 1-based): chr11:108,190,492, T>C on the plus strand (A>G on the coding strand, the complement: NPAT is on the minus strand). VCF-style: chr11-108190492-T-C. GRCh37 (hg19) VCF-style: chr11-108061219-T-C.
Other names: c.299A>G, p.Gln100Arg (NM_001321307.1); short protein forms Q100R.
Identifiers: ClinVar variation 3300597 (VCV003300597.1).